The following is an entry in ClinVar:

NM_139343.3(BIN1):c.177C>G (p.Thr59=)

Gene: BIN1 (bridging integrator 1; minus strand). Cytogenetic location: 2q14.3.
Variant type: single nucleotide variant.
Coding change: c.177C>G on transcript NM_139343.3 (MANE Select); coding-DNA position 177, C replaced by G.
Protein change: p.Thr59=; no amino-acid change (threonine 59 retained).
Molecular consequence: synonymous variant.
Genome position (GRCh38, 1-based): chr2:127,070,805, G>C on the plus strand (C>G on the coding strand, the complement: BIN1 is on the minus strand). VCF-style: chr2-127070805-G-C. GRCh37 (hg19) VCF-style: chr2-127828381-G-C.
Other names: c.177C>G, p.Thr59= (NM_001320632.2, NM_001320633.2, NM_001320640.2 and 10 more transcripts); c.105C>G, p.Thr35= (NM_001320634.1); c.96C>G, p.Thr32= (NM_001320642.1); c.177C>G (NM_139343.2).
Identifiers: ClinVar variation 2998596 (VCV002998596.6), dbSNP rs752642224, ClinGen allele CA1857560.

ClinVar aggregate classification (germline): Likely benign. Review status: criteria provided, multiple submitters, no conflicts (2 of 4 stars). 3 submissions from 3 submitters: Likely benign (2). 1 of the submissions does not count toward it. Last evaluated 2025-10-11.

Conditions:
Myopathy, centronuclear, 2 (CNM2). Also called: MYOTUBULAR MYOPATHY, AUTOSOMAL RECESSIVE. Identifiers: Orphanet 169186, MedGen CN031787, MONDO:0009709, OMIM 255200.
BIN1-related disorder. Also called: BIN1-related condition.

Allele frequency attached by ClinVar (database versions not stated): ExAC 0.00001; gnomAD exomes 0.00001.
gnomAD v4.1: 10 of 1,612,302 alleles (0.00062%); highest among the groups gnomAD compares: Middle Eastern, 0.02%; 1 homozygote.

Submissions (3):

Labcorp Genetics (formerly Invitae), Labcorp
Classification: Likely benign for Myopathy, centronuclear, 2. Last evaluated: 2025-10-11. Review status: criteria provided, single submitter. Criteria: Invitae Variant Classification Sherloc (09022015). Collection method: clinical testing. Allele origin: germline.

Blueprint Genetics
Classification: Likely benign. Last evaluated: 2024-07-09. Review status: criteria provided, single submitter. Criteria: ACMG Guidelines, 2015. Collection method: clinical testing. Allele origin: germline.

PreventionGenetics, part of Exact Sciences
Classification: Likely benign for BIN1-related condition. Last evaluated: 2019-05-30. Review status: no assertion criteria provided. Collection method: clinical testing. Allele origin: germline. Not counted in ClinVar's aggregate classification.
Comment: This variant is classified as likely benign based on ACMG/AMP sequence variant interpretation guidelines (Richards et al. 2015 PMID: 25741868, with internal and published modifications).